The following is an entry in ClinVar:

ClinVar aggregate classification (germline): Likely benign. Review status: criteria provided, multiple submitters, no conflicts (2 of 4 stars). 2 submissions from 2 submitters: Likely benign (2). Last evaluated 2025-02-11.

Conditions:
Familial thoracic aortic aneurysm and aortic dissection (TAAD). Also called: Thoracic aortic aneurysms and dissections. Identifiers: Orphanet 91387, MedGen C4707243, MONDO:0019625.

Allele frequency attached by ClinVar (database versions not stated): ExAC 0.00001; gnomAD exomes 0.00001.
gnomAD v4.1: 2 of 1,611,962 alleles (0.00012%); highest among the groups gnomAD compares: Non-Finnish European, 0.00017%; no homozygotes.

Submissions (2):

Mayo Clinic Laboratories, Mayo Clinic
Classification: Likely benign. Last evaluated: 2025-02-11. Review status: criteria provided, single submitter. Criteria: ACMG Guidelines, 2015. Collection method: clinical testing. Allele origin: germline. Observed: 1 variant allele.
Comment: BP4, BP7, PM2_supporting

Color Diagnostics, LLC DBA Color Health
Classification: Likely benign for Familial thoracic aortic aneurysm and aortic dissection. Last evaluated: 2020-04-27. Review status: criteria provided, single submitter. Criteria: ACMG Guidelines, 2015. Collection method: clinical testing. Allele origin: germline.

NM_000090.4(COL3A1):c.3255T>C (p.Pro1085=)

Gene: COL3A1 (collagen type III alpha 1 chain; plus strand). Cytogenetic location: 2q32.2.
Variant type: single nucleotide variant.
Coding change: c.3255T>C on transcript NM_000090.4 (MANE Select); coding-DNA position 3255, T replaced by C.
Protein change: p.Pro1085=; no amino-acid change (proline 1085 retained).
Molecular consequence: synonymous variant.
Genome position (GRCh38, 1-based): chr2:189,006,990, T>C. VCF-style: chr2-189006990-T-C. GRCh37 (hg19) VCF-style: chr2-189871716-T-C.
Other names: p.Pro1085=.
Identifiers: ClinVar variation 920200 (VCV000920200.3), dbSNP rs763604822, ClinGen allele CA075979.